The following is an entry in ClinVar:

NM_014314.4(RIGI):c.2443G>A (p.Ala815Thr)

Genes: RIGI (RNA sensor RIG-I; minus strand), LOC101060445 (uncharacterized LOC101060445; plus strand). Cytogenetic location: 9p21.1.
Variant type: single nucleotide variant.
Coding change: c.2443G>A on transcript NM_014314.4 (MANE Select); coding-DNA position 2443, G replaced by A.
Protein change: p.Ala815Thr; replaces alanine 815 with threonine.
Molecular consequence: missense variant.
Genome position (GRCh38, 1-based): chr9:32,459,409, C>T on the plus strand (G>A on the coding strand, the complement: RIGI is on the minus strand). VCF-style: chr9-32459409-C-T. GRCh37 (hg19) VCF-style: chr9-32459407-C-T.
Other names: c.2437G>A, p.Ala813Thr (NM_001385907.1); c.2272G>A, p.Ala758Thr (NM_001385909.1); c.2002G>A, p.Ala668Thr (NM_001385910.1); c.1834G>A, p.Ala612Thr (NM_001385912.1); c.2428G>A, p.Ala810Thr (NM_001385913.1); c.1999G>A, p.Ala667Thr (NM_001385914.1); short protein forms A612T, A667T, A668T, A813T, A758T, A810T, A815T.
Identifiers: ClinVar variation 2801113 (VCV002801113.3), dbSNP rs1211600400, ClinGen allele CA373144049.
Genomic context (GRCh38, chr9:32,459,409, plus strand): 5'-ACTTTGTAAAAAGGCAGCTTACCTCTATCACTCTTACGTCAGCTGTGTAACATGCCAAGG[C>T]TTTGCACTTTCTGCAGAGCAGTTTTTTATTTTCCTTATCAGGTACAGGTTTTGGTTTTTC-3'
Protein context (NP_055129.2, residues 805-825): NKKLLCRKCK[Ala815Thr]LACYTADVRV

ClinVar aggregate classification (germline): Uncertain significance (1 of 4 stars; one submission).

Allele frequency attached by ClinVar (database versions not stated): gnomAD exomes below 0.00001; TOPMed 0.00001.
gnomAD v4.1: 2 of 1,613,850 alleles (0.00012%); highest among the groups gnomAD compares: East Asian, 0.0022%; no homozygotes.

Submission:

Labcorp Genetics (formerly Invitae), Labcorp
Classification: Uncertain significance. Last evaluated: 2023-12-26. Review status: criteria provided, single submitter. Criteria: Invitae Variant Classification Sherloc (09022015). Collection method: clinical testing. Allele origin: germline.
Comment: This sequence change replaces alanine, which is neutral and non-polar, with threonine, which is neutral and polar, at codon 815 of the DDX58 protein (p.Ala815Thr). This variant is not present in population databases (gnomAD no frequency). This variant has not been reported in the literature in individuals affected with DDX58-related conditions. Advanced modeling of protein sequence and biophysical properties (such as structural, functional, and spatial information, amino acid conservation, physicochemical variation, residue mobility, and thermodynamic stability) performed at Invitae indicates that this missense variant is not expected to disrupt DDX58 protein function with a negative predictive value of 80%. In summary, the available evidence is currently insufficient to determine the role of this variant in disease. Therefore, it has been classified as a Variant of Uncertain Significance.